The following is an entry in ClinVar:

ClinVar aggregate classification (germline): Uncertain significance (1 of 4 stars; one submission).

gnomAD v4.1: 1 of 1,613,584 alleles (0.000062%); highest among the groups gnomAD compares: Admixed American, 0.0017%; no homozygotes.

Submission:

Labcorp Genetics (formerly Invitae), Labcorp
Classification: Uncertain significance. Last evaluated: 2023-04-15. Review status: criteria provided, single submitter. Criteria: Invitae Variant Classification Sherloc (09022015). Collection method: clinical testing. Allele origin: germline.
Comment: In summary, the available evidence is currently insufficient to determine the role of this variant in disease. Therefore, it has been classified as a Variant of Uncertain Significance. An algorithm developed to predict the effect of missense changes on protein structure and function (PolyPhen-2) suggests that this variant is likely to be tolerated. This variant has not been reported in the literature in individuals affected with SON-related conditions. This variant is present in population databases (rs544424149, gnomAD 0.003%). This sequence change replaces valine, which is neutral and non-polar, with alanine, which is neutral and non-polar, at codon 1199 of the SON protein (p.Val1199Ala).

NM_138927.4(SON):c.3596T>C (p.Val1199Ala)

Gene: SON (SON DNA and RNA binding protein; plus strand). Cytogenetic location: 21q22.11.
Variant type: single nucleotide variant.
Coding change: c.3596T>C on transcript NM_138927.4 (MANE Select); coding-DNA position 3596, T replaced by C.
Protein change: p.Val1199Ala; replaces valine 1199 with alanine.
Molecular consequence: missense variant. On other transcripts: non-coding transcript variant (1), intron variant (1).
Genome position (GRCh38, 1-based): chr21:33,552,827, T>C. VCF-style: chr21-33552827-T-C. GRCh37 (hg19) VCF-style: chr21-34925133-T-C.
Other names: c.3596T>C, p.Val1199Ala (NM_001291411.2, NM_001412133.1, NM_032195.3 and 2 more transcripts); c.245-4329T>C (NM_001291412.3); short protein forms V1199A.
Identifiers: ClinVar variation 3020724 (VCV003020724.3), dbSNP rs544424149, ClinGen allele CA320152366.